The following is an entry in ClinVar:

ClinVar aggregate classification (germline): Uncertain significance (1 of 4 stars; one submission).

Conditions:
Severe combined immunodeficiency due to DNA-PKcs deficiency. Also called: IMMUNODEFICIENCY 26 WITH NEUROLOGIC ABNORMALITIES; Immunodeficiency 26 with or without neurologic abnormalities. Identifiers: Orphanet 317425, MedGen C4014833, MONDO:0014423, OMIM 615966.

Allele frequency attached by ClinVar (database versions not stated): ExAC 0.00001; gnomAD exomes 0.00001 and 0.00003; gnomAD 0.00004; TOPMed 0.00006.
gnomAD v4.1: 53 of 1,613,818 alleles (0.0033%); highest among the groups gnomAD compares: African/African-American, 0.011%; no homozygotes.

Submission:

Labcorp Genetics (formerly Invitae), Labcorp
Classification: Uncertain significance for Severe combined immunodeficiency due to DNA-PKcs deficiency. Last evaluated: 2022-03-19. Review status: criteria provided, single submitter. Criteria: Invitae Variant Classification Sherloc (09022015). Collection method: clinical testing. Allele origin: germline.
Comment: This sequence change replaces asparagine, which is neutral and polar, with aspartic acid, which is acidic and polar, at codon 2560 of the PRKDC protein (p.Asn2560Asp). This variant is present in population databases (rs370153239, gnomAD 0.02%). This variant has not been reported in the literature in individuals affected with PRKDC-related conditions. ClinVar contains an entry for this variant (Variation ID: 1002661). Experimental studies and prediction algorithms are not available or were not evaluated, and the functional significance of this variant is currently unknown. In summary, the available evidence is currently insufficient to determine the role of this variant in disease. Therefore, it has been classified as a Variant of Uncertain Significance.

NM_006904.7(PRKDC):c.7678A>G (p.Asn2560Asp)

Gene: PRKDC (protein kinase, DNA-activated, catalytic subunit; minus strand). Cytogenetic location: 8q11.21.
Variant type: single nucleotide variant.
Coding change: c.7678A>G on transcript NM_006904.7 (MANE Select); coding-DNA position 7678, A replaced by G.
Protein change: p.Asn2560Asp; replaces asparagine 2560 with aspartic acid.
Molecular consequence: missense variant.
Genome position (GRCh38, 1-based): chr8:47,837,295, T>C on the plus strand (A>G on the coding strand, the complement: PRKDC is on the minus strand). VCF-style: chr8-47837295-T-C. GRCh37 (hg19) VCF-style: chr8-48749856-T-C.
Other names: c.7678A>G, p.Asn2560Asp (NM_001081640.2); short protein forms N2560D.
Identifiers: ClinVar variation 1002661 (VCV001002661.4), dbSNP rs370153239, ClinGen allele CA4740052.
Genomic context (GRCh38, chr8:47,837,295, plus strand): 5'-GATGCTCGAACATGGGGTTTGGATAATCTGGGCTCATGCTGGTCATTTCGAGCAGAAAAT[T>C]TGTTGCTAAACTTAAAAAGTGCACTTCTATCTTAGGAGAATATAAGGAATTTAGTGCCAG-3'
Protein context (NP_008835.5, residues 2550-2570): IEVHFLSLAT[Asn2560Asp]FLLEMTSMSP